The following is an entry in ClinVar:

NM_001165963.4(SCN1A):c.1069A>T (p.Asn357Tyr)

Gene: SCN1A (sodium voltage-gated channel alpha subunit 1; minus strand). Cytogenetic location: 2q24.3.
Variant type: single nucleotide variant.
Coding change: c.1069A>T on transcript NM_001165963.4 (MANE Select); coding-DNA position 1069, A replaced by T.
Protein change: p.Asn357Tyr; replaces asparagine 357 with tyrosine.
Molecular consequence: missense variant. On other transcripts: 5 prime UTR variant (1), non-coding transcript variant (1).
Genome position (GRCh38, 1-based): chr2:166,047,728, T>A on the plus strand (A>T on the coding strand, the complement: SCN1A is on the minus strand). VCF-style: chr2-166047728-T-A. GRCh37 (hg19) VCF-style: chr2-166904238-T-A.
Other names: c.1069A>T, p.Asn357Tyr (NM_001165964.3, NM_001202435.3, NM_001353948.2 and 10 more transcripts); c.-1357A>T (NM_001353961.2); short protein forms N357Y.
Identifiers: ClinVar variation 393038 (VCV000393038.2), dbSNP rs1057524752, ClinGen allele CA16603944.

ClinVar aggregate classification (germline): Likely pathogenic (1 of 4 stars; one submission).

Submission:

GeneDx
Classification: Likely pathogenic. Last evaluated: 2017-01-17. Review status: criteria provided, single submitter. Criteria: GeneDx Variant Classification (06012015). Collection method: clinical testing. Allele origin: germline. Affected: yes.
Comment: A novel N357Y variant that is likely pathogenic has been identified in the SCN1A gene. The N357Y variant has not been published previously to our knowledge; however, a different amino acid substitution at the same position (N357I) has been reported as a de novo variant in a patient with Dravet syndrome (Depienne et al., 2009). The N357Y variant is not observed in large population cohorts (Lek et al., 2016; 1000 Genomes Consortium et al., 2015; Exome Variant Server). The N357Y variant is a semi-conservative amino acid substitution, which may impact secondary protein structure as these residues differ in some properties. Additionally, this substitution alters a conserved position predicted to be within the pore forming loop between the S5 and S6 transmembrane segments of the first homologous domain. In silico analysis predicts this variant is probably damaging to the protein structure/function. Furthermore, missense variants in nearby residues (G355D, R356G, P358S/T, N359I/T) have been reported in the Human Gene Mutation Database in association with Dravet syndrome and other SCN1A-related disorders (Stenson et al., 2014), supporting the functional importance of this region of the protein. Therefore, this variant is likely pathogenic; however, the possibility that it is benign cannot be excluded.